The following is an entry in ClinVar:

ClinVar aggregate classification (germline): Conflicting classifications of pathogenicity. Review status: criteria provided, conflicting classifications (1 of 4 stars). 2 submissions from 2 submitters: Uncertain significance (1); Likely benign (1). Last evaluated 2025-02-16.

Conditions:
Hereditary cancer-predisposing syndrome. Also called: Hereditary neoplastic syndrome; Tumor predisposition; Neoplastic Syndromes, Hereditary; Hereditary Cancer Syndrome. Identifiers: Orphanet 140162, MedGen C0027672, MeSH D009386, MONDO:0015356.
Multiple endocrine neoplasia type 4. Also called: MULTIPLE ENDOCRINE NEOPLASIA, TYPE IV. Identifiers: Orphanet 276152, MedGen C1970712, MONDO:0012552, OMIM 610755.

Allele frequency attached by ClinVar (database versions not stated): gnomAD exomes below 0.00001.
gnomAD v4.1: 1 of 1,614,102 alleles (0.000062%); highest among the groups gnomAD compares: Admixed American, 0.0017%; no homozygotes.

Submissions (2):

Ambry Genetics
Classification: Likely benign for Hereditary cancer-predisposing syndrome. Last evaluated: 2025-02-16. Review status: criteria provided, single submitter. Criteria: Ambry Variant Classification Scheme 2023. Collection method: clinical testing. Allele origin: germline.

Labcorp Genetics (formerly Invitae), Labcorp
Classification: Uncertain significance for Multiple endocrine neoplasia type 4. Last evaluated: 2019-08-21. Review status: criteria provided, single submitter. Criteria: Invitae Variant Classification Sherloc (09022015). Collection method: clinical testing. Allele origin: germline.
Comment: This sequence change replaces histidine with tyrosine at codon 23 of the CDKN1B protein (p.His23Tyr). The histidine residue is moderately conserved and there is a moderate physicochemical difference between histidine and tyrosine. This variant is not present in population databases (ExAC no frequency). This variant has not been reported in the literature in individuals with CDKN1B-related conditions. Algorithms developed to predict the effect of missense changes on protein structure and function output the following: SIFT: "Tolerated"; PolyPhen-2: "Benign"; Align-GVGD: "Class C0". The tyrosine amino acid residue is found in multiple mammalian species, suggesting that this missense change does not adversely affect protein function. These predictions have not been confirmed by published functional studies and their clinical significance is uncertain. In summary, the available evidence is currently insufficient to determine the role of this variant in disease. Therefore, it has been classified as a Variant of Uncertain Significance.

NM_004064.5(CDKN1B):c.67C>T (p.His23Tyr)

Gene: CDKN1B (cyclin dependent kinase inhibitor 1B; plus strand). Cytogenetic location: 12p13.1.
Variant type: single nucleotide variant.
Coding change: c.67C>T on transcript NM_004064.5 (MANE Select); coding-DNA position 67, C replaced by T.
Protein change: p.His23Tyr; replaces histidine 23 with tyrosine.
Molecular consequence: missense variant.
Genome position (GRCh38, 1-based): chr12:12,717,906, C>T. VCF-style: chr12-12717906-C-T. GRCh37 (hg19) VCF-style: chr12-12870840-C-T.
Other names: c.67C>T (NM_004064.3); short protein forms H23Y.
Identifiers: ClinVar variation 961726 (VCV000961726.10), dbSNP rs1946487548, ClinGen allele CA383968295.